The following is an entry in ClinVar:

NM_004006.3(DMD):c.6912+1G>A

Gene: DMD (dystrophin; minus strand). Cytogenetic location: Xp21.1.
Variant type: single nucleotide variant.
Coding change: c.6912+1G>A on transcript NM_004006.3 (MANE Select); the canonical splice donor site of the intron after coding-DNA position 6912, G replaced by A.
Molecular consequence: splice donor variant.
Genome position (GRCh38, 1-based): chrX:31,929,595, C>T on the plus strand (G>A on the coding strand, the complement: DMD is on the minus strand). VCF-style: chrX-31929595-C-T. GRCh37 (hg19) VCF-style: chrX-31947712-C-T.
Other names: c.6888+1G>A (NM_000109.4); c.2889+1G>A (NM_004011.4); c.2880+1G>A (NM_004012.4); c.-469+1G>A (NM_004023.3, NM_004020.4, NM_004022.3 and 2 more transcripts); c.6900+1G>A (NM_004009.3); c.6543+1G>A (NM_004010.3); c.6912+1G>A (NM_004006.2).
Identifiers: ClinVar variation 1677942 (VCV001677942.8), dbSNP rs746082869, ClinGen allele CA412657750.

ClinVar aggregate classification (germline): Likely pathogenic. Review status: criteria provided, multiple submitters, no conflicts (2 of 4 stars). 4 submissions from 4 submitters: Likely pathogenic (4). Last evaluated 2024-09-19.

Conditions:
Becker muscular dystrophy, Cardiomyopathy, Duchenne muscular dystrophy, Dystrophin deficiency.
Duchenne muscular dystrophy (DMD). Also called: Duchenne Muscular Dystrophy (DMD); MUSCULAR DYSTROPHY, PSEUDOHYPERTROPHIC PROGRESSIVE, DUCHENNE TYPE. Identifiers: Orphanet 98896, MedGen C0013264, MONDO:0010679, OMIM 310200.
Neuromuscular disease caused by qualitative or quantitative defects of dystrophin. Also called: Qualitative or quantitative defects of dystrophin. Identifiers: Orphanet 207085, MedGen C5679787, MONDO:0016147.

gnomAD v4.1: 1 of 1,210,642 alleles (0.000083%); highest among the groups gnomAD compares: Non-Finnish European, 0.00011%; no homozygotes.

Submissions (4):

Women's Health and Genetics/Laboratory Corporation of America, LabCorp
Classification: Likely pathogenic for Neuromuscular disease caused by qualitative or quantitative defects of dystrophin. Last evaluated: 2024-09-19. Review status: criteria provided, single submitter. Criteria: LabCorp Variant Classification Summary - May 2015. Collection method: clinical testing. Allele origin: germline.
Comment: Variant summary: DMD c.6912+1G>A is located in a canonical splice-site and is predicted to affect mRNA splicing resulting in a significantly altered protein due to either exon skipping, shortening, or inclusion of intronic material. Variants that disrupt the consensus splice site are a relatively common cause of aberrant splicing and loss of DMD function. Computational tools predict a significant impact on normal splicing: Three predict the variant abolishes a canonical 5' splicing donor site. However, these predictions have yet to be confirmed by functional studies. The variant was absent in 182816 control chromosomes (gnomAD). To our knowledge, no occurrence of c.6912+1G>A in individuals affected with Dystrophinopathies and no experimental evidence demonstrating its impact on protein function have been reported. ClinVar contains an entry for this variant (Variation ID: 1677942). Based on the evidence outlined above, the variant was classified as likely pathogenic.

Natera, Inc.
Classification: Likely pathogenic for Becker muscular dystrophy, Cardiomyopathy, Duchenne muscular dystrophy, Dystrophin deficiency. Last evaluated: 2024-08-04. Review status: criteria provided, single submitter. Criteria: Natera Variant Classification Schema (03/2026). Collection method: clinical testing. Allele origin: germline.
Comment: The c.6912+1G>A variant in DMD is a canonical splice donor site variant predicted to affect pre-mRNA splicing, which may result in an abnormal transcript and altered protein product. This variant is expected to result in nonsense mediated decay, truncation, or a dysfunctional protein product. This variant is rare in the general population with a frequency below the threshold expected for the associated phenotype(s). Given the available evidence, this variant is classified as Likely Pathogenic.

Labcorp Genetics (formerly Invitae), Labcorp
Classification: Likely pathogenic for Duchenne muscular dystrophy. Last evaluated: 2022-10-27. Review status: criteria provided, single submitter. Criteria: Invitae Variant Classification Sherloc (09022015). Collection method: clinical testing. Allele origin: germline.
Comment: Disruption of this splice site has been observed in individual(s) with clinical features of DMD-related disorders (PMID: 32528171). This variant is not present in population databases (gnomAD no frequency). This sequence change affects a donor splice site in intron 47 of the DMD gene. It is expected to disrupt RNA splicing. Variants that disrupt the donor or acceptor splice site typically lead to a loss of protein function (PMID: 16199547), and loss-of-function variants in DMD are known to be pathogenic (PMID: 16770791, 25007885). ClinVar contains an entry for this variant (Variation ID: 1677942). In summary, the currently available evidence indicates that the variant is pathogenic, but additional data are needed to prove that conclusively. Therefore, this variant has been classified as Likely Pathogenic. Algorithms developed to predict the effect of sequence changes on RNA splicing suggest that this variant may disrupt the consensus splice site.

AiLife Diagnostics
Classification: Likely pathogenic. Last evaluated: 2022-02-16. Review status: criteria provided, single submitter. Criteria: ACMG Guidelines, 2015. Collection method: clinical testing. Allele origin: germline. Affected: yes. Observed: 1 variant allele.

Literature cited by the submitters: PubMed 32528171 (cited by Labcorp Genetics (formerly Invitae), Labcorp); PubMed 16199547 (cited by Labcorp Genetics (formerly Invitae), Labcorp); PubMed 16770791 (cited by Labcorp Genetics (formerly Invitae), Labcorp); PubMed 25007885 (cited by Labcorp Genetics (formerly Invitae), Labcorp).